The following is an entry in ClinVar:

ClinVar aggregate classification (germline): Pathogenic (1 of 4 stars; one submission).

Conditions:
Duchenne muscular dystrophy (DMD). Also called: MUSCULAR DYSTROPHY, PSEUDOHYPERTROPHIC PROGRESSIVE, DUCHENNE TYPE; Duchenne Muscular Dystrophy (DMD). Identifiers: Orphanet 98896, MedGen C0013264, MONDO:0010679, OMIM 310200.

Submission:

Labcorp Genetics (formerly Invitae), Labcorp
Classification: Pathogenic for Duchenne muscular dystrophy. Last evaluated: 2025-11-19. Review status: criteria provided, single submitter. Criteria: Invitae Variant Classification Sherloc (09022015). Collection method: clinical testing. Allele origin: germline.
Comment: This sequence change creates a premature translational stop signal (p.Ser622*) in the DMD gene. It is expected to result in an absent or disrupted protein product. Loss-of-function variants in DMD are known to be pathogenic (PMID: 16770791, 25007885). This variant is not present in population databases (gnomAD no frequency). This premature translational stop signal has been observed in individual(s) with Duchenne muscular dystrophy (PMID: 7849724). ClinVar contains an entry for this variant (Variation ID: 455871). For these reasons, this variant has been classified as Pathogenic.

Literature cited by the submitters: PubMed 16770791; PubMed 25007885; PubMed 7849724.

NM_004006.3(DMD):c.1865C>A (p.Ser622Ter)

Gene: DMD (dystrophin; minus strand). Cytogenetic location: Xp21.1.
Variant type: single nucleotide variant.
Coding change: c.1865C>A on transcript NM_004006.3 (MANE Select); coding-DNA position 1865, C replaced by A.
Protein change: p.Ser622Ter; replaces serine 622 with a stop codon.
Molecular consequence: nonsense.
Genome position (GRCh38, 1-based): chrX:32,565,829, G>T on the plus strand (C>A on the coding strand, the complement: DMD is on the minus strand). VCF-style: chrX-32565829-G-T. GRCh37 (hg19) VCF-style: chrX-32583946-G-T.
Other names: c.1841C>A, p.Ser614Ter (NM_000109.4); c.1853C>A, p.Ser618Ter (NM_004009.3); c.1496C>A, p.Ser499Ter (NM_004010.3); short protein forms S622*, S499*, S614*, S618*.
Identifiers: ClinVar variation 455871 (VCV000455871.9), dbSNP rs886041344, ClinGen allele CA412672846.